The following is an entry in ClinVar:

NM_005236.3(ERCC4):c.388+1164_792+795del

Gene: ERCC4 (ERCC excision repair 4, endonuclease catalytic subunit; plus strand). Cytogenetic location: 16p13.12.
Variant type: Deletion.
Coding change: c.388+1164_792+795del on transcript NM_005236.3 (MANE Select); 1164 bases into the intron after coding-DNA position 388 through 795 bases into the intron after coding-DNA position 792, 5,656 bases deleted.
Molecular consequence: splice acceptor variant, splice donor variant.
Genome position (GRCh38, 1-based): chr16:13,923,375-13,929,030, 5,656 bases deleted. GRCh37 (hg19): chr16:14,017,232-14,022,887.
Identifiers: ClinVar variation 625138 (VCV000625138.3), ClinGen allele CA913189925.

ClinVar aggregate classification (germline): Pathogenic/Likely pathogenic. Review status: no assertion criteria provided (0 of 4 stars). 3 submissions from 3 submitters: Pathogenic (2); Likely pathogenic (1). Last evaluated 2019-04-04.

Conditions:
XFE progeroid syndrome (XFEPS). Also called: XPF-ERCC1 PROGEROID SYNDROME. Identifiers: MedGen C1970416, MONDO:0012590, OMIM 610965.
Hutchinson-Gilford syndrome (HGPS). Also called: Hutchinson-Gilford Progeria Syndrome. Identifiers: Orphanet 740, MedGen C0033300, MONDO:0008310, OMIM 176670.

Submissions (3):

OMIM
Classification: Pathogenic for XFE PROGEROID SYNDROME. Last evaluated: 2019-04-04. Review status: no assertion criteria provided. Collection method: literature only. Allele origin: germline.

Leiden Open Variation Database
Classification: Pathogenic. Last evaluated: 2017-11-03. Review status: no assertion criteria provided. Collection method: curation. Allele origin: germline. Affected: yes.
Comment: Curator: Arleen D. Auerbach. Submitter to LOVD: Junko Oshima.

University of Washington Center for Mendelian Genomics, University of Washington
Classification: Likely pathogenic for Atypical Werner Syndrome. Review status: no assertion criteria provided. Collection method: research. Allele origin: unknown. Affected: yes.

Literature cited by the submitters: PubMed 29105242 (cited by OMIM and University of Washington Center for Mendelian Genomics, University of Washington).